The following is an entry in ClinVar:

NM_152618.3(BBS12):c.979T>A (p.Ser327Thr)

Gene: BBS12 (Bardet-Biedl syndrome 12; plus strand). Cytogenetic location: 4q27.
Variant type: single nucleotide variant.
Coding change: c.979T>A on transcript NM_152618.3 (MANE Select); coding-DNA position 979, T replaced by A.
Protein change: p.Ser327Thr; replaces serine 327 with threonine.
Molecular consequence: missense variant.
Genome position (GRCh38, 1-based): chr4:122,742,871, T>A. VCF-style: chr4-122742871-T-A. GRCh37 (hg19) VCF-style: chr4-123664026-T-A.
Other names: c.979T>A (NM_152618.2); c.979T>A, p.Ser327Thr (NM_001178007.2); short protein forms S327T.
Identifiers: ClinVar variation 195412 (VCV000195412.10), dbSNP rs116805550, ClinGen allele CA241840.

ClinVar aggregate classification (germline): Conflicting classifications of pathogenicity. Review status: criteria provided, conflicting classifications (1 of 4 stars). 4 submissions from 4 submitters: Uncertain significance (1); Likely benign (2). 1 of the submissions does not count toward it. Last evaluated 2024-09-13.

Conditions:
BBS12-related disorder. Also called: BBS12-related condition.
Inborn genetic diseases. Identifiers: MedGen C0950123, MeSH D030342.

Allele frequency attached by ClinVar (database versions not stated): ExAC 0.00031; gnomAD exomes 0.00031 and 0.00032; ESP Exome Variant Server 0.00046; gnomAD 0.00047 and 0.00048; TOPMed 0.00056; 1000 Genomes Project 0.00080.
gnomAD v4.1: 534 of 1,613,872 alleles (0.033%); highest among the groups gnomAD compares: African/African-American, 0.079%; 1 homozygote.

Submissions (4):

Blueprint Genetics
Classification: Likely benign. Last evaluated: 2024-09-13. Review status: criteria provided, single submitter. Criteria: ACMG Guidelines, 2015. Collection method: clinical testing. Allele origin: germline.

Ambry Genetics
Classification: Likely benign for Inborn genetic diseases. Last evaluated: 2022-09-08. Review status: criteria provided, single submitter. Criteria: Ambry Variant Classification Scheme 2023. Collection method: clinical testing. Allele origin: germline.

Eurofins Ntd Llc (ga)
Classification: Uncertain significance. Last evaluated: 2018-01-18. Review status: criteria provided, single submitter. Criteria: EGL Classification Definitions 2015. Collection method: clinical testing. Allele origin: germline. Observed: 2 variant alleles, 2 heterozygotes.

PreventionGenetics, part of Exact Sciences
Classification: Likely benign for BBS12-related condition. Last evaluated: 2019-12-06. Review status: no assertion criteria provided. Collection method: clinical testing. Allele origin: germline. Not counted in ClinVar's aggregate classification.
Comment: This variant is classified as likely benign based on ACMG/AMP sequence variant interpretation guidelines (Richards et al. 2015 PMID: 25741868, with internal and published modifications).